The following is an entry in ClinVar:

ClinVar aggregate classification (germline): Uncertain significance (1 of 4 stars; one submission).

Conditions:
Alzheimer disease. Also called: Presenile and senile dementia; Alzheimer's disease. Identifiers: Orphanet 1020, MedGen C0002395, MeSH D000544, MONDO:0004975, HP:0002511.

gnomAD v4.1: 2 of 1,538,638 alleles (0.00013%); highest among the groups gnomAD compares: South Asian, 0.0024%; no homozygotes.

Submission:

Labcorp Genetics (formerly Invitae), Labcorp
Classification: Uncertain significance for Alzheimer disease. Last evaluated: 2024-11-11. Review status: criteria provided, single submitter. Criteria: Invitae Variant Classification Sherloc (09022015). Collection method: clinical testing. Allele origin: germline.
Comment: This sequence change replaces arginine, which is basic and polar, with proline, which is neutral and non-polar, at codon 16 of the APP protein (p.Arg16Pro). This variant is not present in population databases (gnomAD no frequency). This variant has not been reported in the literature in individuals affected with APP-related conditions. Invitae Evidence Modeling of protein sequence and biophysical properties (such as structural, functional, and spatial information, amino acid conservation, physicochemical variation, residue mobility, and thermodynamic stability) indicates that this missense variant is not expected to disrupt APP protein function with a negative predictive value of 95%. In summary, the available evidence is currently insufficient to determine the role of this variant in disease. Therefore, it has been classified as a Variant of Uncertain Significance.

NM_000484.4(APP):c.47G>C (p.Arg16Pro)

Gene: APP (amyloid beta precursor protein; minus strand). Cytogenetic location: 21q21.3.
Variant type: single nucleotide variant.
Coding change: c.47G>C on transcript NM_000484.4 (MANE Select); coding-DNA position 47, G replaced by C.
Protein change: p.Arg16Pro; replaces arginine 16 with proline.
Molecular consequence: missense variant. On other transcripts: intron variant (1).
Genome position (GRCh38, 1-based): chr21:26,170,574, C>G on the plus strand (G>C on the coding strand, the complement: APP is on the minus strand). VCF-style: chr21-26170574-C-G. GRCh37 (hg19) VCF-style: chr21-27542892-C-G.
Other names: c.47G>C, p.Arg16Pro (NM_001136129.3, NM_001136130.3, NM_001204301.2 and 5 more transcripts); c.-49+411G>C (NM_001136131.3); short protein forms R16P.
Identifiers: ClinVar variation 3711891 (VCV003711891.2).